The following is an entry in ClinVar:

NM_004946.3(DOCK2):c.3945T>C (p.Tyr1315=)

Gene: DOCK2 (dedicator of cytokinesis 2; plus strand). Cytogenetic location: 5q35.1.
Variant type: single nucleotide variant.
Coding change: c.3945T>C on transcript NM_004946.3 (MANE Select); coding-DNA position 3945, T replaced by C.
Protein change: p.Tyr1315=; no amino-acid change (tyrosine 1315 retained).
Molecular consequence: synonymous variant. On other transcripts: non-coding transcript variant (1).
Genome position (GRCh38, 1-based): chr5:170,045,884, T>C. VCF-style: chr5-170045884-T-C. GRCh37 (hg19) VCF-style: chr5-169472888-T-C.
Other names: c.3945T>C, p.Tyr1315= (LRG_1227t1).
Identifiers: ClinVar variation 476013 (VCV000476013.15), dbSNP rs34133853, ClinGen allele CA3554374.

ClinVar aggregate classification (germline): Benign. Review status: criteria provided, multiple submitters, no conflicts (2 of 4 stars). 3 submissions from 3 submitters: Benign (2). 1 of the submissions does not count toward it. Last evaluated 2026-02-01.

Conditions:
DOCK2 deficiency. Also called: Immunodeficiency 40. Identifiers: Orphanet 447737, MedGen C4225328, MONDO:0014637, OMIM 616433.
DOCK2-related disorder. Also called: DOCK2-related condition.

Allele frequency attached by ClinVar (database versions not stated): gnomAD exomes 0.00093 and 0.00240; ExAC 0.00316; gnomAD 0.00923 and 0.00985; 1000 Genomes Project 30x 0.00968; 1000 Genomes Project 0.00978; TOPMed 0.01030; ESP Exome Variant Server 0.01099.
gnomAD v4.1: 2,806 of 1,614,150 alleles (0.17%); highest among the groups gnomAD compares: African/African-American, 3.4%; 49 homozygotes.

Submissions (3):

Labcorp Genetics (formerly Invitae), Labcorp
Classification: Benign for DOCK2 deficiency. Last evaluated: 2026-02-01. Review status: criteria provided, single submitter. Criteria: Invitae Variant Classification Sherloc (09022015). Collection method: clinical testing. Allele origin: germline.

Women's Health and Genetics/Laboratory Corporation of America, LabCorp
Classification: Benign. Last evaluated: 2026-01-22. Review status: criteria provided, single submitter. Criteria: LabCorp Variant Classification Summary - May 2015. Collection method: clinical testing. Allele origin: germline.

PreventionGenetics, part of Exact Sciences
Classification: Benign for DOCK2-related condition. Last evaluated: 2019-07-08. Review status: no assertion criteria provided. Collection method: clinical testing. Allele origin: germline. Not counted in ClinVar's aggregate classification.
Comment: This variant is classified as benign based on ACMG/AMP sequence variant interpretation guidelines (Richards et al. 2015 PMID: 25741868, with internal and published modifications).